The following is an entry in ClinVar:

NM_000057.4(BLM):c.1723G>A (p.Ala575Thr)

Gene: BLM (BLM RecQ like helicase; plus strand). Cytogenetic location: 15q26.1.
Variant type: single nucleotide variant.
Coding change: c.1723G>A on transcript NM_000057.4 (MANE Select); coding-DNA position 1723, G replaced by A.
Protein change: p.Ala575Thr; replaces alanine 575 with threonine.
Molecular consequence: missense variant.
Genome position (GRCh38, 1-based): chr15:90,761,096, G>A. VCF-style: chr15-90761096-G-A. GRCh37 (hg19) VCF-style: chr15-91304326-G-A.
Other names: c.1723G>A, p.Ala575Thr (NM_001287246.2, NM_001287247.2); c.598G>A, p.Ala200Thr (NM_001287248.2); short protein forms A200T, A575T.
Identifiers: ClinVar variation 3224003 (VCV003224003.1), dbSNP rs2151158856, ClinGen allele CA393843708.
Genomic context (GRCh38, chr15:90,761,096, plus strand): 5'-AATTTTGACATAGATGACTTTGATGATGATGATGACTGGGAAGACATAATGCATAATTTA[G>A]CAGCCAGCAAATCTTCCACAGCTGCCTATCAACCCATCAAGGAAGGTCGGCCAATTAAAT-3'
Protein context (NP_000048.1, residues 565-585): DDWEDIMHNL[Ala575Thr]ASKSSTAAYQ

ClinVar aggregate classification (germline): Uncertain significance (1 of 4 stars; one submission).

Conditions:
Hereditary cancer-predisposing syndrome. Also called: Tumor predisposition; Hereditary neoplastic syndrome; Hereditary Cancer Syndrome; Neoplastic Syndromes, Hereditary. Identifiers: Orphanet 140162, MedGen C0027672, MeSH D009386, MONDO:0015356.

Submission:

Ambry Genetics
Classification: Uncertain significance for Hereditary cancer-predisposing syndrome. Last evaluated: 2024-01-19. Review status: criteria provided, single submitter. Criteria: Ambry Variant Classification Scheme 2023. Collection method: clinical testing. Allele origin: germline.
Comment: The p.A575T variant (also known as c.1723G>A), located in coding exon 6 of the BLM gene, results from a G to A substitution at nucleotide position 1723. The alanine at codon 575 is replaced by threonine, an amino acid with similar properties. This amino acid position is conserved. In addition, this alteration is predicted to be tolerated by in silico analysis. Based on the available evidence, the clinical significance of this alteration remains unclear.